The following is an entry in ClinVar:

NM_005236.3(ERCC4):c.2477C>T (p.Ala826Val)

Gene: ERCC4 (ERCC excision repair 4, endonuclease catalytic subunit; plus strand). Cytogenetic location: 16p13.12.
Variant type: single nucleotide variant.
Coding change: c.2477C>T on transcript NM_005236.3 (MANE Select); coding-DNA position 2477, C replaced by T.
Protein change: p.Ala826Val; replaces alanine 826 with valine.
Molecular consequence: missense variant.
Genome position (GRCh38, 1-based): chr16:13,948,073, C>T. VCF-style: chr16-13948073-C-T. GRCh37 (hg19) VCF-style: chr16-14041930-C-T.
Other names: c.2477C>T (NM_005236.2); short protein forms A826V.
Identifiers: ClinVar variation 134136 (VCV000134136.14), dbSNP rs141790888, ClinGen allele CA158870.

ClinVar aggregate classification (germline): Uncertain significance. Review status: criteria provided, multiple submitters, no conflicts (2 of 4 stars). 6 submissions from 6 submitters: Uncertain significance (5). 1 of the submissions does not count toward it. Last evaluated 2025-12-08.

Conditions:
Fanconi anemia complementation group Q. Identifiers: Orphanet 84, MedGen C3808988, MONDO:0014108, OMIM 615272.
Xeroderma pigmentosum, group F (XPF). Also called: XERODERMA PIGMENTOSUM VI; XP, GROUP F; XERODERMA PIGMENTOSUM, TYPE F; Xeroderma pigmentosum, type 6; XERODERMA PIGMENTOSUM, COMPLEMENTATION GROUP F; ERCC4-Related Xeroderma Pigmentosum. Identifiers: MedGen C0268140, MONDO:0010215, OMIM 278760.
Cockayne syndrome. Identifiers: Orphanet 191, MedGen C0009207, MONDO:0016006.
XFE progeroid syndrome (XFEPS). Also called: XPF-ERCC1 PROGEROID SYNDROME. Identifiers: MedGen C1970416, MONDO:0012590, OMIM 610965.

Allele frequency attached by ClinVar (database versions not stated): gnomAD exomes 0.00002 and 0.00006; gnomAD 0.00003; TOPMed 0.00003; ESP Exome Variant Server 0.00008.
gnomAD v4.1: 87 of 1,614,020 alleles (0.0054%); highest among the groups gnomAD compares: Middle Eastern, 0.066%; no homozygotes.

Submissions (6):

Labcorp Genetics (formerly Invitae), Labcorp
Classification: Uncertain significance for Fanconi anemia complementation group Q; Xeroderma pigmentosum, group F; Cockayne syndrome. Last evaluated: 2025-12-08. Review status: criteria provided, single submitter. Criteria: Invitae Variant Classification Sherloc (09022015). Collection method: clinical testing. Allele origin: germline.
Comment: This sequence change replaces alanine, which is neutral and non-polar, with valine, which is neutral and non-polar, at codon 826 of the ERCC4 protein (p.Ala826Val). This variant is present in population databases (rs141790888, gnomAD 0.006%). This variant has not been reported in the literature in individuals affected with ERCC4-related conditions. ClinVar contains an entry for this variant (Variation ID: 134136). Invitae Evidence Modeling of protein sequence and biophysical properties (such as structural, functional, and spatial information, amino acid conservation, physicochemical variation, residue mobility, and thermodynamic stability) indicates that this missense variant is not expected to disrupt ERCC4 protein function with a negative predictive value of 80%. In summary, the available evidence is currently insufficient to determine the role of this variant in disease. Therefore, it has been classified as a Variant of Uncertain Significance.

St. Jude Molecular Pathology, St. Jude Children's Research Hospital
Classification: Uncertain significance for Xeroderma pigmentosum, group F. Last evaluated: 2025-06-17. Review status: criteria provided, single submitter. Criteria: St. Jude Assertion Criteria 2020. Collection method: clinical testing. Allele origin: germline.
Comment: The ERCC4 c.2477C>T p.(Ala826Val) missense change has a maximum subpopulation frequency of 0.003% in gnomAD v2.1.1. The in silico tool REVEL predicts a benign effect on protein function, but to our knowledge this prediction has not been confirmed by functional studies. To our knowledge, this variant has not been reported in individuals with Fanconi anemia or Xeroderma pigmentosum. In summary, the evidence currently available is insufficient to determine the clinical significance of this variant. It has therefore been classified as of uncertain significance.

Blueprint Genetics
Classification: Uncertain significance. Last evaluated: 2024-11-13. Review status: criteria provided, single submitter. Criteria: ACMG Guidelines, 2015. Collection method: clinical testing. Allele origin: germline.

GeneDx
Classification: Uncertain significance. Last evaluated: 2024-10-31. Review status: criteria provided, single submitter. Criteria: GeneDx Variant Classification Process June 2021. Collection method: clinical testing. Allele origin: germline. Affected: yes.
Comment: Not observed at significant frequency in large population cohorts (gnomAD); In silico analysis indicates that this missense variant does not alter protein structure/function; Has not been previously published as pathogenic or benign to our knowledge

Fulgent Genetics
Classification: Uncertain significance for Xeroderma pigmentosum, group F; XFE progeroid syndrome; Fanconi anemia complementation group Q. Last evaluated: 2024-02-27. Review status: criteria provided, single submitter. Criteria: ACMG Guidelines, 2015. Collection method: clinical testing. Allele origin: germline.

ITMI
No classification provided. Condition: AllHighlyPenetrant. Last evaluated: 2013-09-19. Review status: no classification provided. Collection method: reference population. Allele origin: germline. Not counted in ClinVar's aggregate classification.
Comment: Please see associated publication for description of ethnicities

Literature cited by the submitters: PubMed 24728327 (cited by ITMI).